The following is an entry in ClinVar:

ClinVar aggregate classification (germline): Likely pathogenic (1 of 4 stars; one submission).

Conditions:
Marfan syndrome (MFS). Also called: MARFAN SYNDROME, TYPE I; Marfan syndrome type 1; Marfan's syndrome; Marfan syndrome, classic; FBN1-Related Marfan Syndrome. Identifiers: Orphanet 284963, Orphanet 558, MedGen C0024796, MONDO:0007947, OMIM 154700.
Familial thoracic aortic aneurysm and aortic dissection (TAAD). Also called: Thoracic aortic aneurysms and dissections. Identifiers: Orphanet 91387, MedGen C4707243, MONDO:0019625.

Submission:

Labcorp Genetics (formerly Invitae), Labcorp
Classification: Likely pathogenic for Marfan syndrome; Familial thoracic aortic aneurysm and aortic dissection. Last evaluated: 2024-03-24. Review status: criteria provided, single submitter. Criteria: Invitae Variant Classification Sherloc (09022015). Collection method: clinical testing. Allele origin: germline.
Comment: This sequence change replaces glycine, which is neutral and non-polar, with serine, which is neutral and polar, at codon 1206 of the FBN1 protein (p.Gly1206Ser). This variant is not present in population databases (gnomAD no frequency). This missense change has been observed in individual(s) with FBN1-related conditions (Invitae). Advanced modeling of protein sequence and biophysical properties (such as structural, functional, and spatial information, amino acid conservation, physicochemical variation, residue mobility, and thermodynamic stability) performed at Invitae indicates that this missense variant is expected to disrupt FBN1 protein function with a positive predictive value of 95%. This variant disrupts the p.Gly1206 amino acid residue in FBN1. Other variant(s) that disrupt this residue have been determined to be pathogenic (Invitae). This suggests that this residue is clinically significant, and that variants that disrupt this residue are likely to be disease-causing. In summary, the currently available evidence indicates that the variant is pathogenic, but additional data are needed to prove that conclusively. Therefore, this variant has been classified as Likely Pathogenic.

NM_000138.5(FBN1):c.3616G>A (p.Gly1206Ser)

Gene: FBN1 (fibrillin 1; minus strand). Cytogenetic location: 15q21.1.
Variant type: single nucleotide variant.
Coding change: c.3616G>A on transcript NM_000138.5 (MANE Select); coding-DNA position 3616, G replaced by A.
Protein change: p.Gly1206Ser; replaces glycine 1206 with serine.
Molecular consequence: missense variant.
Genome position (GRCh38, 1-based): chr15:48,485,470, C>T on the plus strand (G>A on the coding strand, the complement: FBN1 is on the minus strand). VCF-style: chr15-48485470-C-T. GRCh37 (hg19) VCF-style: chr15-48777667-C-T.
Other names: c.3616G>A, p.Gly1206Ser (NM_001406716.1); short protein forms G1206S.
Identifiers: ClinVar variation 2921751 (VCV002921751.3), dbSNP rs1555398411, ClinGen allele CA392324627.